The following is an entry in ClinVar:

NM_003737.4(DCHS1):c.4553G>A (p.Arg1518Gln)

Gene: DCHS1 (dachsous cadherin-related 1; minus strand). Cytogenetic location: 11p15.4.
Variant type: single nucleotide variant.
Coding change: c.4553G>A on transcript NM_003737.4 (MANE Select); coding-DNA position 4553, G replaced by A.
Protein change: p.Arg1518Gln; replaces arginine 1518 with glutamine.
Molecular consequence: missense variant.
Genome position (GRCh38, 1-based): chr11:6,630,241, C>T on the plus strand (G>A on the coding strand, the complement: DCHS1 is on the minus strand). VCF-style: chr11-6630241-C-T. GRCh37 (hg19) VCF-style: chr11-6651472-C-T.
Other names: c.4553G>A (NM_003737.3, NM_003737.2); short protein forms R1518Q.
Identifiers: ClinVar variation 1284995 (VCV001284995.12), dbSNP rs753287108, ClinGen allele CA5860325.

ClinVar aggregate classification (germline): Uncertain significance. Review status: criteria provided, multiple submitters, no conflicts (2 of 4 stars). 6 submissions from 6 submitters: Uncertain significance (4). 2 of the submissions do not count toward it. Last evaluated 2026-01-26.

Conditions:
Inborn genetic diseases. Identifiers: MedGen C0950123, MeSH D030342.
Van Maldergem syndrome 1 (VMLDS1). Also called: Van Maldergem syndrome 1 (VMLDS1). Identifiers: Orphanet 314679, MedGen C4551950, MONDO:0011070, OMIM 601390.

Allele frequency attached by ClinVar (database versions not stated): gnomAD exomes 0.00010 and 0.00027; ExAC 0.00013; TOPMed 0.00014; gnomAD 0.00018 and 0.00019.

Submissions (6):

Labcorp Genetics (formerly Invitae), Labcorp
Classification: Uncertain significance. Last evaluated: 2026-01-26. Review status: criteria provided, single submitter. Criteria: Invitae Variant Classification Sherloc (09022015). Collection method: clinical testing. Allele origin: germline.
Comment: This sequence change replaces arginine, which is basic and polar, with glutamine, which is neutral and polar, at codon 1518 of the DCHS1 protein (p.Arg1518Gln). This variant is present in population databases (rs753287108, gnomAD 0.02%). This variant has not been reported in the literature in individuals affected with DCHS1-related conditions. ClinVar contains an entry for this variant (Variation ID: 1284995). Invitae Evidence Modeling of protein sequence and biophysical properties (such as structural, functional, and spatial information, amino acid conservation, physicochemical variation, residue mobility, and thermodynamic stability) indicates that this missense variant is not expected to disrupt DCHS1 protein function with a negative predictive value of 80%. In summary, the available evidence is currently insufficient to determine the role of this variant in disease. Therefore, it has been classified as a Variant of Uncertain Significance.

Clinical Genomics Laboratory, Washington University in St. Louis
Classification: Uncertain significance for Van Maldergem syndrome 1. Last evaluated: 2025-10-15. Review status: criteria provided, single submitter. Criteria: ACMG Guidelines, 2015. Collection method: clinical testing. Allele origin: germline.
Comment: A DCHS1 c.4553G>A (p.Arg1518Gln) variant was identified at a near heterozygous allelic fraction of 48.7%, a frequency which may be consistent with germline origin. This variant, to our knowledge, has not been reported in the medical literature but has been reported in the ClinVar database as a germline variant of uncertain significance by three submitters (ClinVar variation ID: 1284995). It is only observed on 403/1,548,526 alleles in the general population (gnomAD v4.1.0), indicating it is not a common variant. Computational predictors suggest that the variant does not impact DCHS1 function. Due to limited information, and based on ACMG/AMP guidelines for variant interpretation (Richards S et al., PMID: 25741868), the clinical significance of this variant is uncertain at this time.

Ambry Genetics
Classification: Uncertain significance for Inborn genetic diseases. Last evaluated: 2025-02-20. Review status: criteria provided, single submitter. Criteria: Ambry Variant Classification Scheme 2023. Collection method: clinical testing. Allele origin: germline.

GeneDx
Classification: Uncertain significance. Last evaluated: 2023-05-31. Review status: criteria provided, single submitter. Criteria: GeneDx Variant Classification Process June 2021. Collection method: clinical testing. Allele origin: germline. Affected: yes.
Comment: In silico analysis supports that this missense variant does not alter protein structure/function; Has not been previously published as pathogenic or benign to our knowledge

Clinical Genetics DNA and cytogenetics Diagnostics Lab, Erasmus MC, Erasmus Medical Center
Classification: Likely benign. Review status: no assertion criteria provided. Collection method: clinical testing. Allele origin: germline. Affected: yes. Study: VKGL Data-share Consensus. Not counted in ClinVar's aggregate classification.

Genome Diagnostics Laboratory, University Medical Center Utrecht
Classification: Likely benign. Review status: no assertion criteria provided. Collection method: clinical testing. Allele origin: germline. Affected: yes. Study: VKGL Data-share Consensus. Not counted in ClinVar's aggregate classification.